The following is an entry in ClinVar:

NM_002878.4(RAD51D):c.392A>C (p.Asn131Thr)

Genes: RAD51L3-RFFL (RAD51L3-RFFL readthrough; minus strand), RAD51D (RAD51 paralog D; minus strand). Cytogenetic location: 17q12.
Variant type: single nucleotide variant.
Coding change: c.392A>C on transcript NM_002878.4 (MANE Select); coding-DNA position 392, A replaced by C.
Protein change: p.Asn131Thr; replaces asparagine 131 with threonine.
Molecular consequence: missense variant. On other transcripts: non-coding transcript variant (1), intron variant (1).
Genome position (GRCh38, 1-based): chr17:35,107,076, T>G on the plus strand (A>C on the coding strand, the complement: RAD51D is on the minus strand). VCF-style: chr17-35107076-T-G. GRCh37 (hg19) VCF-style: chr17-33434095-T-G.
Other names: c.452A>C, p.Asn151Thr (NM_001142571.2); c.145-595A>C (NM_133629.3); short protein forms N151T, N131T.
Identifiers: ClinVar variation 1043705 (VCV001043705.5), dbSNP rs1060502954, ClinGen allele CA399089315.

ClinVar aggregate classification (germline): Uncertain significance (1 of 4 stars; one submission).

Conditions:
Breast-ovarian cancer, familial, susceptibility to, 4. Identifiers: Orphanet 145, MedGen C3280345, MONDO:0013669, OMIM 614291.

Submission:

Labcorp Genetics (formerly Invitae), Labcorp
Classification: Uncertain significance for Breast-ovarian cancer, familial, susceptibility to, 4. Last evaluated: 2020-02-07. Review status: criteria provided, single submitter. Criteria: Invitae Variant Classification Sherloc (09022015). Collection method: clinical testing. Allele origin: germline.
Comment: This sequence change replaces asparagine with threonine at codon 131 of the RAD51D protein (p.Asn131Thr). The asparagine residue is weakly conserved and there is a small physicochemical difference between asparagine and threonine. This variant is not present in population databases (ExAC no frequency). This variant has not been reported in the literature in individuals with RAD51D-related conditions. Algorithms developed to predict the effect of missense changes on protein structure and function (SIFT, PolyPhen-2, Align-GVGD) all suggest that this variant is likely to be tolerated, but these predictions have not been confirmed by published functional studies and their clinical significance is uncertain. In summary, the available evidence is currently insufficient to determine the role of this variant in disease. Therefore, it has been classified as a Variant of Uncertain Significance.